The following is an entry in ClinVar:

ClinVar aggregate classification (germline): Likely pathogenic. Review status: criteria provided, single submitter (1 of 4 stars). 2 submissions from 2 submitters: Likely pathogenic (1). 1 of the submissions does not count toward it. Last evaluated 2026-03-03.

Conditions:
Autosomal recessive nonsyndromic hearing loss 84B. Also called: Deafness, autosomal recessive 84b. Identifiers: Orphanet 90636, MedGen C3554159, MONDO:0013984, OMIM 614944.

Submissions (2):

Dasa
Classification: Likely pathogenic. Last evaluated: 2026-03-03. Review status: criteria provided, single submitter. Criteria: DASA Assertion Criteria. Collection method: clinical testing. Allele origin: germline.
Comment: NM_001378609.3(OTOGL):c.4536_4537del (p.Cys1512Trpfs*12) is a frameshift variant in OTOGL predicted to alter the reading frame and introduce a premature termination codon and is predicted to result in an absent or altered protein product. Loss of function is an established disease mechanism for OTOGL-associated disorders. Also, this variant is rare in population databases. Based on the currently available evidence, this variant is classified as likely pathogenic.

Bioscientia Institut fuer Medizinische Diagnostik GmbH, Sonic Healthcare
Classification: Likely pathogenic for Autosomal recessive nonsyndromic hearing loss 84B. Last evaluated: 2018-10-01. Review status: no assertion criteria provided. Collection method: clinical testing. Allele origin: germline. Affected: yes. Not counted in ClinVar's aggregate classification.

NM_001378609.3(OTOGL):c.4536_4537del (p.Cys1512fs)

Gene: OTOGL (otogelin like; plus strand). Cytogenetic location: 12q21.31.
Variant type: Microsatellite.
Coding change: c.4536_4537del on transcript NM_001378609.3 (MANE Select); coding-DNA positions 4536 to 4537, 2 bases deleted (TG; older notation c.4536_4537delTG).
Protein change: p.Cys1512fs; shifts the reading frame from cysteine 1512.
Molecular consequence: frameshift variant.
Genome position (GRCh38, 1-based): chr12:80,336,076-80,336,077, TG deleted; deleting any 2 consecutive bases within chr12:80,336,074-80,336,077 gives the same sequence; the c. name uses the placement nearest the transcript's 3' end. VCF-style (leftmost placement, unchanged base first): chr12-80336073-CTG-C. GRCh37 (hg19) VCF-style: chr12-80729853-CTG-C.
Other names: c.4509_4510delTG (NM_173591.3); c.4401_4402del, p.Cys1467fs (NM_001368062.3); c.4536_4537del, p.Cys1512fs (NM_001378610.3, NM_173591.7); short protein forms C1467fs, C1512fs.
Identifiers: ClinVar variation 635492 (VCV000635492.4), dbSNP rs763898293, ClinGen allele CA6701414.